The following is an entry in ClinVar:

NM_004247.4(EFTUD2):c.1492A>T (p.Ser498Cys)

Gene: EFTUD2 (elongation factor Tu GTP binding domain containing 2; minus strand). Cytogenetic location: 17q21.31.
Variant type: single nucleotide variant.
Coding change: c.1492A>T on transcript NM_004247.4 (MANE Select); coding-DNA position 1492, A replaced by T.
Protein change: p.Ser498Cys; replaces serine 498 with cysteine.
Molecular consequence: missense variant.
Genome position (GRCh38, 1-based): chr17:44,862,828, T>A on the plus strand (A>T on the coding strand, the complement: EFTUD2 is on the minus strand). VCF-style: chr17-44862828-T-A. GRCh37 (hg19) VCF-style: chr17-42940196-T-A.
Other names: c.1387A>T, p.Ser463Cys (NM_001142605.2); c.1492A>T, p.Ser498Cys (NM_001258353.2); c.1462A>T, p.Ser488Cys (NM_001258354.2); short protein forms S498C, S463C, S488C.
Identifiers: ClinVar variation 2749820 (VCV002749820.3), dbSNP rs2508762583, ClinGen allele CA399813896.
Genomic context (GRCh38, chr17:44,862,828, plus strand): 5'-CCTCCAGGGTGTAGTTCTCCCCCAGTACCTTCACAGGCTGCCCAGCATGAATGGTGCCAC[T>A]CAGCACCCGGCCAAAGGCGTGAAACTGGACTCCATCATCTGTGCTGTACATCTTAGTAGT-3'
Protein context (NP_004238.3, residues 488-508): VQFHAFGRVL[Ser498Cys]GTIHAGQPVK

ClinVar aggregate classification (germline): Uncertain significance (1 of 4 stars; one submission).

Submission:

Labcorp Genetics (formerly Invitae), Labcorp
Classification: Uncertain significance. Last evaluated: 2023-08-03. Review status: criteria provided, single submitter. Criteria: Invitae Variant Classification Sherloc (09022015). Collection method: clinical testing. Allele origin: germline.
Comment: In summary, the available evidence is currently insufficient to determine the role of this variant in disease. Therefore, it has been classified as a Variant of Uncertain Significance. Advanced modeling of protein sequence and biophysical properties (such as structural, functional, and spatial information, amino acid conservation, physicochemical variation, residue mobility, and thermodynamic stability) has been performed at Invitae for this missense variant, however the output from this modeling did not meet the statistical confidence thresholds required to predict the impact of this variant on EFTUD2 protein function. This variant has not been reported in the literature in individuals affected with EFTUD2-related conditions. This variant is not present in population databases (gnomAD no frequency). This sequence change replaces serine, which is neutral and polar, with cysteine, which is neutral and slightly polar, at codon 498 of the EFTUD2 protein (p.Ser498Cys).